The following is an entry in ClinVar:

NM_001282225.2(ADA2):c.676G>A (p.Asp226Asn)

Gene: ADA2 (adenosine deaminase 2; minus strand). Cytogenetic location: 22q11.1.
Variant type: single nucleotide variant.
Coding change: c.676G>A on transcript NM_001282225.2 (MANE Select); coding-DNA position 676, G replaced by A.
Protein change: p.Asp226Asn; replaces aspartic acid 226 with asparagine.
Molecular consequence: missense variant.
Genome position (GRCh38, 1-based): chr22:17,203,640, C>T on the plus strand (G>A on the coding strand, the complement: ADA2 is on the minus strand). VCF-style: chr22-17203640-C-T. GRCh37 (hg19) VCF-style: chr22-17684530-C-T.
Other names: c.676G>A, p.Asp226Asn (NM_001282226.2); c.550G>A, p.Asp184Asn (NM_001282227.2, NM_001282228.2); c.316G>A, p.Asp106Asn (NM_001282229.2); short protein forms D226N, D106N, D184N.
Identifiers: ClinVar variation 2046550 (VCV002046550.4), dbSNP rs1272843882, ClinGen allele CA410228212.

ClinVar aggregate classification (germline): Uncertain significance (1 of 4 stars; one submission).

Conditions:
Deficiency of adenosine deaminase 2. Also called: Adenosine Deaminase 2 Deficiency; VASCULITIS, AUTOINFLAMMATION, IMMUNODEFICIENCY, AND HEMATOLOGIC DEFECTS SYNDROME; Polyarteritis nodosa, childhoood-onset. Identifiers: Orphanet 404553, MedGen C3887654, MONDO:0014306, OMIM 615688, MONDO:0100317.

Allele frequency attached by ClinVar (database versions not stated): gnomAD exomes below 0.00001.

Submission:

Labcorp Genetics (formerly Invitae), Labcorp
Classification: Uncertain significance for Deficiency of adenosine deaminase 2. Last evaluated: 2021-12-20. Review status: criteria provided, single submitter. Criteria: Invitae Variant Classification Sherloc (09022015). Collection method: clinical testing. Allele origin: germline.
Comment: In summary, the available evidence is currently insufficient to determine the role of this variant in disease. Therefore, it has been classified as a Variant of Uncertain Significance. Algorithms developed to predict the effect of missense changes on protein structure and function are either unavailable or do not agree on the potential impact of this missense change (SIFT: "Deleterious"; PolyPhen-2: "Benign"; Align-GVGD: "Class C0"). This variant has not been reported in the literature in individuals affected with ADA2-related conditions. This variant is present in population databases (no rsID available, gnomAD 0.006%). This sequence change replaces aspartic acid, which is acidic and polar, with asparagine, which is neutral and polar, at codon 226 of the ADA2 protein (p.Asp226Asn).